The following is an entry in ClinVar:

NM_001943.5(DSG2):c.2170del (p.Leu724fs)

Genes: DSG2 (desmoglein 2; plus strand), DSG2-AS1 (DSG2 antisense RNA 1; minus strand). Cytogenetic location: 18q12.1.
Variant type: Deletion.
Coding change: c.2170del on transcript NM_001943.5 (MANE Select); coding-DNA position 2170, one base deleted (C; older notation c.2170delC).
Protein change: p.Leu724fs; shifts the reading frame from leucine 724.
Molecular consequence: frameshift variant.
Genome position (GRCh38, 1-based): chr18:31,542,688, C deleted; the last of 2 consecutive C bases (chr18:31,542,687-31,542,688); deleting either gives the same sequence. VCF-style (leftmost placement, unchanged base first): chr18-31542686-GC-G. GRCh37 (hg19) VCF-style: chr18-29122649-GC-G.
Other names: short protein forms L724fs.
Identifiers: ClinVar variation 4085623 (VCV004085623.8).

ClinVar aggregate classification (germline): Pathogenic (1 of 4 stars; one submission).

Submission:

CeGaT Center for Human Genetics Tuebingen
Classification: Pathogenic. Last evaluated: 2025-12-01. Review status: criteria provided, single submitter. Criteria: CeGaT Center For Human Genetics Tuebingen Variant Classification Criteria Version 2. Collection method: clinical testing. Allele origin: germline. Affected: yes. Observed: 2 variant alleles.
Comment: DSG2: PVS1, PM2